The following is an entry in ClinVar:

ClinVar aggregate classification (germline): Likely benign. Review status: criteria provided, multiple submitters, no conflicts (2 of 4 stars). 2 submissions from 2 submitters: Likely benign (2). Last evaluated 2018-06-19.

Allele frequency attached by ClinVar (database versions not stated): gnomAD exomes 0.00362; gnomAD 0.00719 and 0.00752; TOPMed 0.00775; 1000 Genomes Project 0.00839; 1000 Genomes Project 30x 0.00984.
gnomAD v4.1: 5,503 of 1,365,128 alleles (0.4%); highest among the groups gnomAD compares: African/African-American, 1.7%; 26 homozygotes.

Submissions (2):

GeneDx
Classification: Likely benign. Last evaluated: 2018-06-19. Review status: criteria provided, single submitter. Criteria: GeneDx Variant Classification (06012015). Collection method: clinical testing. Allele origin: germline. Affected: yes.
Comment: This variant is considered likely benign or benign based on one or more of the following criteria: it is a conservative change, it occurs at a poorly conserved position in the protein, it is predicted to be benign by multiple in silico algorithms, and/or has population frequency not consistent with disease.

Breakthrough Genomics
Classification: Likely benign. Review status: criteria provided, single submitter. Criteria: ACMG Guidelines, 2015. Collection method: not provided. Allele origin: germline. Inheritance: Autosomal recessive inheritance. Affected: yes.

NM_001130987.2(DYSF):c.5642+64T>C

Gene: DYSF (dysferlin; plus strand). Cytogenetic location: 2p13.2.
Variant type: single nucleotide variant.
Coding change: c.5642+64T>C on transcript NM_001130987.2 (MANE Select); 64 bases into the intron after coding-DNA position 5642, T replaced by C.
Molecular consequence: intron variant.
Genome position (GRCh38, 1-based): chr2:71,669,271, T>C. VCF-style: chr2-71669271-T-C. GRCh37 (hg19) VCF-style: chr2-71896401-T-C.
Other names: c.5618+64T>C (NM_001130979.2); c.5639+64T>C (NM_001130981.2); c.5576+64T>C (NM_001130980.2); c.5588+64T>C (NM_001130978.2); c.5525+64T>C (NM_003494.4); c.5546+64T>C (NM_001130977.2); c.5483+64T>C (NM_001130976.2); c.5621+64T>C (NM_001130982.2); and 5 more.
Identifiers: ClinVar variation 678314 (VCV000678314.2), dbSNP rs112864238, ClinGen allele CA49769085.